The following is an entry in ClinVar:

NM_002230.4(JUP):c.708-1G>A

Gene: JUP (junction plakoglobin; minus strand). Cytogenetic location: 17q21.2.
Variant type: single nucleotide variant.
Coding change: c.708-1G>A on transcript NM_002230.4 (MANE Select); the canonical splice acceptor site of the intron before coding-DNA position 708, G replaced by A.
Molecular consequence: splice acceptor variant.
Genome position (GRCh38, 1-based): chr17:41,767,581, C>T on the plus strand (G>A on the coding strand, the complement: JUP is on the minus strand). VCF-style: chr17-41767581-C-T. GRCh37 (hg19) VCF-style: chr17-39923833-C-T.
Other names: c.708-1G>A (NM_001352774.2, NM_021991.4, NM_001352776.2 and 3 more transcripts).
Identifiers: ClinVar variation 4858581 (VCV004858581.1).

ClinVar aggregate classification (germline): Uncertain significance (1 of 4 stars; one submission).

Conditions:
Cardiovascular phenotype. Identifiers: MedGen CN230736.

gnomAD v4.1: 1 of 1,031,848 alleles (0.000097%); highest among the groups gnomAD compares: Non-Finnish European, 0.00014%; no homozygotes.

Submission:

Ambry Genetics
Classification: Uncertain significance for Cardiovascular phenotype. Last evaluated: 2026-06-04. Review status: criteria provided, single submitter. Criteria: Ambry Variant Classification Scheme 2023. Collection method: clinical testing. Allele origin: germline.
Comment: The c.708-1G>A intronic variant results from a G to A substitution one nucleotide upstream from coding exon 4 of the JUP gene. This nucleotide position is highly conserved in available vertebrate species. In silico splice site analysis predicts that this alteration will weaken the native splice acceptor site and will result in the creation or strengthening of a novel splice acceptor site. Alterations that disrupt the canonical splice site are expected to cause aberrant splicing, resulting in an abnormal protein or a transcript that is subject to nonsense-mediated mRNA decay. Although biallelic loss of function of JUP has been associated with autosomal recessive Naxos disease, haploinsufficiency of JUP has not been established as a mechanism of disease for autosomal dominant arrhythmogenic right ventricular cardiomyopathy (ARVC). Based on the supporting evidence, this variant is expected to be causative of autosomal recessive Naxos disease when present along with a second pathogenic variant on the other allele; however, its clinical significance for autosomal dominant ARVC is unclear.